The following is an entry in ClinVar:

NM_001374736.1(DST):c.2908C>G (p.Gln970Glu)

Gene: DST (dystonin; minus strand). Cytogenetic location: 6p12.1.
Variant type: single nucleotide variant.
Coding change: c.2908C>G on transcript NM_001374736.1 (MANE Select); coding-DNA position 2908, C replaced by G.
Protein change: p.Gln970Glu; replaces glutamine 970 with glutamic acid.
Molecular consequence: missense variant.
Genome position (GRCh38, 1-based): chr6:56,639,315, G>C on the plus strand (C>G on the coding strand, the complement: DST is on the minus strand). VCF-style: chr6-56639315-G-C. GRCh37 (hg19) VCF-style: chr6-56504113-G-C.
Other names: c.2809C>G, p.Gln937Glu (NM_001144769.5); c.2395C>G, p.Gln799Glu (NM_001144770.2); c.2908C>G, p.Gln970Glu (NM_001374722.1); c.2275C>G, p.Gln759Glu (NM_001374729.1, NM_001374730.1, NM_001386100.1 and 1 more transcripts); c.2935C>G, p.Gln979Glu (NM_001374734.1); c.1297C>G, p.Gln433Glu (NM_001723.7, NM_015548.5); short protein forms Q759E, Q970E, Q799E, Q979E, Q433E, Q937E.
Identifiers: ClinVar variation 1401028 (VCV001401028.8), dbSNP rs1389081499, ClinGen allele CA364577196.

ClinVar aggregate classification (germline): Uncertain significance (1 of 4 stars; one submission).

Conditions:
Hereditary sensory and autonomic neuropathy type 6. Also called: Neuropathy, hereditary sensory and autonomic, type VI; HSAN VI. Identifiers: Orphanet 314381, MedGen C3539003, MONDO:0013839, OMIM 614653.
Epidermolysis bullosa simplex 3, localized or generalized intermediate, with BP230 deficiency (EBS3). Also called: Epidermolysis bullosa simplex due to BP230 deficiency; Epidermolysis bullosa simplex, autosomal recessive 2. Identifiers: Orphanet 412181, MedGen C3809470, MONDO:0014180, OMIM 615425.

Submission:

Labcorp Genetics (formerly Invitae), Labcorp
Classification: Uncertain significance for Epidermolysis bullosa simplex 3, localized or generalized intermediate, with BP230 deficiency; Hereditary sensory and autonomic neuropathy type 6. Last evaluated: 2020-12-29. Review status: criteria provided, single submitter. Criteria: Invitae Variant Classification Sherloc (09022015). Collection method: clinical testing. Allele origin: germline.
Comment: This sequence change replaces glutamine with glutamic acid at codon 433 of the DST protein (p.Gln433Glu). The glutamine residue is highly conserved and there is a small physicochemical difference between glutamine and glutamic acid. This variant is not present in population databases (ExAC no frequency). This variant has not been reported in the literature in individuals with DST-related conditions. Algorithms developed to predict the effect of missense changes on protein structure and function (SIFT, PolyPhen-2, Align-GVGD) all suggest that this variant is likely to be disruptive, but these predictions have not been confirmed by published functional studies and their clinical significance is uncertain. In summary, the available evidence is currently insufficient to determine the role of this variant in disease. Therefore, it has been classified as a Variant of Uncertain Significance.